The following is an entry in ClinVar:

ClinVar aggregate classification (germline): Uncertain significance (1 of 4 stars; one submission).

Conditions:
Hereditary cancer-predisposing syndrome. Also called: Neoplastic Syndromes, Hereditary; Hereditary Cancer Syndrome; Hereditary neoplastic syndrome; Tumor predisposition. Identifiers: Orphanet 140162, MedGen C0027672, MeSH D009386, MONDO:0015356.

Submission:

Ambry Genetics
Classification: Uncertain significance for Hereditary cancer-predisposing syndrome. Last evaluated: 2023-05-15. Review status: criteria provided, single submitter. Criteria: Ambry Variant Classification Scheme 2023. Collection method: clinical testing. Allele origin: germline.
Comment: The p.D346N variant (also known as c.1036G>A), located in coding exon 6 of the CTNNA1 gene, results from a G to A substitution at nucleotide position 1036. The aspartic acid at codon 346 is replaced by asparagine, an amino acid with highly similar properties. This amino acid position is conserved. In addition, this alteration is predicted to be tolerated by in silico analysis. Since supporting evidence is limited at this time, the clinical significance of this alteration remains unclear.

NM_001903.5(CTNNA1):c.1036G>A (p.Asp346Asn)

Gene: CTNNA1 (catenin alpha 1; plus strand). Cytogenetic location: 5q31.2.
Variant type: single nucleotide variant.
Coding change: c.1036G>A on transcript NM_001903.5 (MANE Select); coding-DNA position 1036, G replaced by A.
Protein change: p.Asp346Asn; replaces aspartic acid 346 with asparagine.
Molecular consequence: missense variant.
Genome position (GRCh38, 1-based): chr5:138,827,692, G>A. VCF-style: chr5-138827692-G-A. GRCh37 (hg19) VCF-style: chr5-138163381-G-A.
Other names: c.1036G>A, p.Asp346Asn (NM_001323983.1, NM_001323984.2, NM_001323986.2 and 3 more transcripts); c.727G>A, p.Asp243Asn (NM_001290309.3); c.667G>A, p.Asp223Asn (NM_001290310.3); short protein forms D346N, D223N, D243N.
Identifiers: ClinVar variation 2563280 (VCV002563280.2), dbSNP rs2149786051, ClinGen allele CA361131252.